The following is an entry in ClinVar:

ClinVar aggregate classification (germline): Uncertain significance. Review status: criteria provided, multiple submitters, no conflicts (2 of 4 stars). 3 submissions from 3 submitters: Uncertain significance (3). Last evaluated 2023-03-22.

Conditions:
Primary ciliary dyskinesia. Also called: Ciliary dyskinesia. Identifiers: Orphanet 244, MedGen C0008780, MONDO:0016575, HP:0012265.

Allele frequency attached by ClinVar (database versions not stated): gnomAD 0.00008; gnomAD exomes 0.00009 and 0.00010; ExAC 0.00012; ESP Exome Variant Server 0.00015; TOPMed 0.00016.
gnomAD v4.1: 158 of 1,613,506 alleles (0.0098%); highest among the groups gnomAD compares: Admixed American, 0.02%; no homozygotes.

Submissions (3):

Mayo Clinic Laboratories, Mayo Clinic
Classification: Uncertain significance. Last evaluated: 2023-03-22. Review status: criteria provided, single submitter. Criteria: ACMG Guidelines, 2015. Collection method: clinical testing. Allele origin: germline. Observed: 1 variant allele.
Comment: BP4

Labcorp Genetics (formerly Invitae), Labcorp
Classification: Uncertain significance for Primary ciliary dyskinesia. Last evaluated: 2022-05-08. Review status: criteria provided, single submitter. Criteria: Invitae Variant Classification Sherloc (09022015). Collection method: clinical testing. Allele origin: germline.
Comment: This sequence change replaces proline, which is neutral and non-polar, with leucine, which is neutral and non-polar, at codon 762 of the DNAH8 protein (p.Pro762Leu). This variant is present in population databases (rs199804814, gnomAD 0.1%). This variant has not been reported in the literature in individuals affected with DNAH8-related conditions. ClinVar contains an entry for this variant (Variation ID: 650421). Algorithms developed to predict the effect of missense changes on protein structure and function are either unavailable or do not agree on the potential impact of this missense change (SIFT: "Tolerated"; PolyPhen-2: "Not Available"; Align-GVGD: "Class C0"). In summary, the available evidence is currently insufficient to determine the role of this variant in disease. Therefore, it has been classified as a Variant of Uncertain Significance.

Ambry Genetics
Classification: Uncertain significance. Last evaluated: 2021-08-02. Review status: criteria provided, single submitter. Criteria: Ambry Variant Classification Scheme 2023. Collection method: clinical testing. Allele origin: germline.

NM_001206927.2(DNAH8):c.2285C>T (p.Pro762Leu)

Gene: DNAH8 (dynein axonemal heavy chain 8; plus strand). Cytogenetic location: 6p21.2.
Variant type: single nucleotide variant.
Coding change: c.2285C>T on transcript NM_001206927.2 (MANE Select); coding-DNA position 2285, C replaced by T.
Protein change: p.Pro762Leu; replaces proline 762 with leucine.
Molecular consequence: missense variant.
Genome position (GRCh38, 1-based): chr6:38,783,029, C>T. VCF-style: chr6-38783029-C-T. GRCh37 (hg19) VCF-style: chr6-38750805-C-T.
Other names: p.Pro762Leu; c.1634C>T, p.Pro545Leu (NM_001371.4); short protein forms P762L, P545L.
Identifiers: ClinVar variation 650421 (VCV000650421.9), dbSNP rs199804814, ClinGen allele CA3788478.